The following is an entry in ClinVar:

NM_000038.6(APC):c.934-1491C>A

Gene: APC (APC regulator of WNT signaling pathway; plus strand). Cytogenetic location: 5q22.2.
Variant type: single nucleotide variant.
Coding change: c.934-1491C>A on transcript NM_000038.6 (MANE Select); 1491 bases into the intron before coding-DNA position 934, C replaced by A.
Molecular consequence: intron variant.
Genome position (GRCh38, 1-based): chr5:112,817,475, C>A. VCF-style: chr5-112817475-C-A. GRCh37 (hg19) VCF-style: chr5-112153172-C-A.
Other names: c.934-1491C>A (NM_001354895.2, NM_001127510.3, NM_001354896.2); c.964-1491C>A (NM_001354897.2); c.964-1794C>A (NM_001354902.2); c.880-1491C>A (NM_001127511.3); c.859-1491C>A (NM_001354898.2); c.859-1794C>A (NM_001354904.2); c.85-1491C>A (NM_001354906.2); c.934-1794C>A (NM_001354903.2); and 3 more.
Identifiers: ClinVar variation 83111 (VCV000083111.2), dbSNP rs75075800, ClinGen allele CA015876.

ClinVar aggregate classification (germline): other (0 of 4 stars; one submission).

Conditions:
Familial colorectal cancer. Identifiers: MedGen CN280943, MONDO:0023113. Disease mechanism: loss of function.

Submission:

Systems Biology Platform Zhejiang California International NanoSystems Institute
Classification: other for Familial colorectal cancer. Review status: no assertion criteria provided. Collection method: not provided. Allele origin: unknown.
ClinVar note: Converted during submission from cancer to other.